The following is an entry in ClinVar:

NM_000487.6(ARSA):c.931G>A (p.Gly311Ser)

Gene: ARSA (arylsulfatase A; minus strand). Cytogenetic location: 22q13.33.
Variant type: single nucleotide variant.
Coding change: c.931G>A on transcript NM_000487.6 (MANE Select); coding-DNA position 931, G replaced by A.
Protein change: p.Gly311Ser; replaces glycine 311 with serine.
Molecular consequence: missense variant.
Genome position (GRCh38, 1-based): chr22:50,626,202, C>T on the plus strand (G>A on the coding strand, the complement: ARSA is on the minus strand). VCF-style: chr22-50626202-C-T. GRCh37 (hg19) VCF-style: chr22-51064630-C-T.
Other names: ARSA, GLY309SER; NP_000478.3:p.(Gly311Ser); c.931G>A, p.Gly311Ser (NM_001085425.3, NM_001085426.3, NM_001085427.3); c.673G>A, p.Gly225Ser (NM_001085428.3, NM_001362782.2); short protein forms G311S, G225S.
Identifiers: ClinVar variation 3060 (VCV000003060.72), dbSNP rs74315459, ClinGen allele CA115967.

ClinVar aggregate classification (germline): Conflicting classifications of pathogenicity. Review status: criteria provided, conflicting classifications (1 of 4 stars). 19 submissions from 18 submitters: Pathogenic (14); Likely pathogenic (1); Uncertain significance (1). 3 of the submissions do not count toward it. Last evaluated 2026-09-17.

Conditions:
PSEUDOARYLSULFATASE A DEFICIENCY (ARSA-PD). Identifiers: MedGen C1855255, OMIM 250100.
Metachromatic leukodystrophy (MLD). Also called: ARSA DEFICIENCY; CEREBROSIDE SULFATASE DEFICIENCY; SULFATIDE LIPIDOSIS; Arylsulfatase A Deficiency; Cerebral sclerosis diffuse metachromatic form; METACHROMATIC LEUKOENCEPHALOPATHY. Identifiers: Orphanet 512, MedGen C0023522, MONDO:0018868, OMIM 250100.
Metachromatic leukodystrophy, late infantile form. Also called: Metachromatic leukodystrophy, late infantile. Identifiers: Orphanet 309256, MedGen C0751278, MONDO:0017729.
Abnormality of the nervous system. Also called: Congenital nervous system disorder. Identifiers: MedGen C0497552, MONDO:0002320, HP:0000707.

Allele frequency attached by ClinVar (database versions not stated): ExAC 0.00002; gnomAD exomes 0.00001 and 0.00003.
gnomAD v4.1: 20 of 1,611,886 alleles (0.0012%); highest among the groups gnomAD compares: South Asian, 0.011%; no homozygotes.

Submissions (20):

Laboratory of Experimental Gene Therapy of Hereditary Metabolic Diseases, Research Centre for Medical Genetics
Classification: Pathogenic for Metachromatic leukodystrophy. Last evaluated: 2026-09-17. Review status: criteria provided, single submitter. Criteria: ARSA MLD Assertion Criteria V2 2026 09 18. Collection method: clinical testing. Allele origin: germline. Inheritance: Autosomal recessive inheritance. Affected: yes. Observed: 1 variant allele, 1 homozygote.
Comment: The previously reported Pathogenic classification was reviewed and retained for the accompanying study. External ClinVar record reviewed: VCV000003060.69. Observations from the present referral series were not used to establish pathogenicity.

CeGaT Center for Human Genetics Tuebingen
Classification: Pathogenic. Last evaluated: 2026-02-01. Review status: criteria provided, single submitter. Criteria: CeGaT Center For Human Genetics Tuebingen Variant Classification Criteria Version 2. Collection method: clinical testing. Allele origin: germline. Affected: yes. Observed: 2 variant alleles.
Comment: ARSA: PM3:Strong, PM1, PM2, PM5, PS3:Supporting

Labcorp Genetics (formerly Invitae), Labcorp
Classification: Pathogenic for Metachromatic leukodystrophy. Last evaluated: 2025-12-21. Review status: criteria provided, single submitter. Criteria: Invitae Variant Classification Sherloc (09022015). Collection method: clinical testing. Allele origin: germline.
Comment: This sequence change replaces glycine, which is neutral and non-polar, with serine, which is neutral and polar, at codon 311 of the ARSA protein (p.Gly311Ser). This variant is present in population databases (rs74315459, gnomAD 0.01%). This missense change has been observed in individual(s) with metachromatic leukodystrophy (PMID: 8101038, 26462614, 28670130). In at least one individual the data is consistent with being in trans (on the opposite chromosome) from a pathogenic variant. This variant is also known as Gly309Ser. ClinVar contains an entry for this variant (Variation ID: 3060). Invitae Evidence Modeling of protein sequence and biophysical properties (such as structural, functional, and spatial information, amino acid conservation, physicochemical variation, residue mobility, and thermodynamic stability) indicates that this missense variant is expected to disrupt ARSA protein function with a positive predictive value of 95%. Experimental studies have shown that this missense change affects ARSA function (PMID: 8101038). For these reasons, this variant has been classified as Pathogenic.

Women's Health and Genetics/Laboratory Corporation of America, LabCorp
Classification: Pathogenic for Metachromatic leukodystrophy. Last evaluated: 2025-10-16. Review status: criteria provided, single submitter. Criteria: LabCorp Variant Classification Summary - May 2015. Collection method: clinical testing. Allele origin: germline.
Comment: Variant summary: ARSA c.931G>A (p.Gly311Ser) results in a non-conservative amino acid change in the encoded protein sequence. Algorithms developed to predict the effect of missense changes on protein structure and function all suggest that this variant is likely to be disruptive. The variant allele was found at a frequency of 2.9e-05 in 244148 control chromosomes. c.931G>A has been observed in multiple individuals affected with Metachromatic Leukodystrophy (Kreysing_1993, Dehghan Manshadi_2017, Bhringer_2017). These data indicate that the variant is very likely to be associated with disease. Two publications have reported experimental evidence evaluating an impact on protein function and the most pronounced variant effect results in <10% of normal activity in cells derived from homozygous individuals (Kreysing_1993, Dehghan Manshadi_2017). The following publications have been ascertained in the context of this evaluation (PMID: 28762252, 28670130, 8101038). ClinVar contains an entry for this variant (Variation ID: 3060). Based on the evidence outlined above, the variant was classified as pathogenic.

Natera, Inc.
Classification: Pathogenic for Metachromatic leukodystrophy. Last evaluated: 2025-09-05. Review status: criteria provided, single submitter. Criteria: Natera Variant Classification Schema (03/2026). Collection method: clinical testing. Allele origin: germline.
Comment: The c.931G>A variant in ARSA is a missense variant predicted to cause substitution of glycine to serine at amino acid 311. This variant is rare in the general population with a frequency below the threshold expected for the associated phenotype(s). This variant has been observed in one or more individuals affected with the associated recessive disease, as either homozygous or compound heterozygous with a second variant (PMID: 33385934, 33335837, 33855715, 8101038). Given the available evidence, this variant is classified as Pathogenic.

First Genomix Gene Laboratory, Genetic Diagnostics Department
Classification: Pathogenic for Metachromatic leukodystrophy. Last evaluated: 2025-06-25. Review status: criteria provided, single submitter. Criteria: ACMG Guidelines, 2015. Collection method: clinical testing. Allele origin: germline. Inheritance: Autosomal recessive inheritance. Affected: yes.
Comment: This variant was reported in a homozygous state in patients affected with metachromatic leukodystrophy (PMIDs: 26462614 and 28670130).

Institute of Medical Genetics and Applied Genomics, University Hospital Tübingen
Classification: Pathogenic for Metachromatic leukodystrophy. Last evaluated: 2024-09-26. Review status: criteria provided, single submitter. Criteria: ACMG Guidelines, 2015. Collection method: clinical testing. Allele origin: germline. Inheritance: Autosomal recessive inheritance. Affected: yes.

3billion
Classification: Pathogenic for Metachromatic leukodystrophy. Last evaluated: 2024-07-31. Review status: criteria provided, single submitter. Criteria: ACMG Guidelines, 2015. Collection method: clinical testing. Allele origin: germline. Affected: yes.
Comment: The variant is observed at an extremely low frequency in the gnomAD v4.0.0 dataset (total allele frequency: 0.001%). Predicted Consequence/Location: Missense variant In silico tool predictions suggest damaging effect of the variant on gene or gene product [REVEL: 0.97 (>=0.6, sensitivity 0.68 and specificity 0.92); 3Cnet: 1.00 (>=0.6, sensitivity 0.72 and precision 0.9)]. The same nucleotide change resulting in the same amino acid change has been previously reported as pathogenic/likely pathogenic with strong evidence (ClinVar ID: VCV000003060 /PMID: 8101038). The variant has been reported to be in trans with a pathogenic variant as either compound heterozygous or homozygous in at least one similarly affected unrelated individual (PMID: 26462614). Different missense changes at the same codon (p.Gly311Arg, p.Gly311Asp, p.Gly311Cys) have been reported as pathogenic/likely pathogenic with strong evidence (ClinVar ID: VCV000800500, VCV002727052 /PMID: 30674982, 33185815, 33335837). Therefore, this variant is classified as Pathogenic according to the recommendation of ACMG/AMP guideline.

Fulgent Genetics
Classification: Pathogenic for Metachromatic leukodystrophy. Last evaluated: 2024-03-13. Review status: criteria provided, single submitter. Criteria: ACMG Guidelines, 2015. Collection method: clinical testing. Allele origin: germline.

Genomic Research Center, Shahid Beheshti University of Medical Sciences
Classification: Pathogenic for Metachromatic leukodystrophy. Last evaluated: 2024-02-12. Review status: criteria provided, single submitter. Criteria: ACMG Guidelines, 2015. Collection method: clinical testing. Allele origin: inherited. Affected: yes. Observed: 1 variant allele.

GeneDx
Classification: Pathogenic. Last evaluated: 2023-05-16. Review status: criteria provided, single submitter. Criteria: GeneDx Variant Classification Process June 2021. Collection method: clinical testing. Allele origin: germline.
Comment: Published functional studies demonstrate a significant reduction in enzyme activity (PMID: 8101038, 28762252); Not observed at significant frequency in large population cohorts (gnomAD); In silico analysis supports that this missense variant has a deleterious effect on protein structure/function; Also known as p.(G309S); This variant is associated with the following publications: (PMID: 8101038, 15326627, 33385934, 27289174, 28762252, 33547378, 33855715, 34426522, 33726816, 34554397, 31069529)

Kariminejad - Najmabadi Pathology & Genetics Center
Classification: Pathogenic for Abnormality of the nervous system. Last evaluated: 2021-07-10. Review status: criteria provided, single submitter. Criteria: ACMG Guidelines, 2015. Collection method: clinical testing. Allele origin: germline. Affected: yes.

Revvity Omics, Revvity
Classification: Likely pathogenic for Metachromatic leukodystrophy. Last evaluated: 2020-01-16. Review status: criteria provided, single submitter. Criteria: ACMG Guidelines, 2015. Collection method: clinical testing. Allele origin: germline.

Institute of Human Genetics, University of Leipzig Medical Center
Classification: Pathogenic for Metachromatic leukodystrophy. Last evaluated: 2019-05-13. Review status: criteria provided, single submitter. Criteria: ACMG Guidelines, 2015. Collection method: clinical testing. Allele origin: germline. Affected: yes. Observed: 1 variant allele.
Comment: This variant was identified as homozygous

Genomic Research Center, Shahid Beheshti University of Medical Sciences
Classification: Uncertain significance for Pseudoarylsulfatase A deficiency. Last evaluated: 2018-08-07. Review status: criteria provided, single submitter. Criteria: ACMG Guidelines, 2015. Collection method: clinical testing. Allele origin: inherited. Affected: yes. Observed: 1 variant allele.

Kasturba Medical College, Manipal, Kasturba Medical College, Manipal, Manipal Academy of Higher Education, Manipal, India
Classification: Pathogenic for Metachromatic leukodystrophy. Review status: criteria provided, single submitter. Criteria: ACMG Guidelines, 2015. Collection method: clinical testing. Allele origin: inherited. Inheritance: Autosomal recessive inheritance. Affected: yes.

Counsyl
Classification: Likely pathogenic for Metachromatic leukodystrophy. Last evaluated: 2017-04-04. Review status: no assertion criteria provided. Collection method: clinical testing. Allele origin: unknown. Not counted in ClinVar's aggregate classification.

OMIM
Classification: Pathogenic for METACHROMATIC LEUKODYSTROPHY, LATE INFANTILE. Last evaluated: 1993-08-01. Review status: no assertion criteria provided. Collection method: literature only. Allele origin: germline. Not counted in ClinVar's aggregate classification.

Gelb Laboratory, University of Washington
No classification provided (evidence only). Condition: Metachromatic leukodystrophy. Review status: no classification provided. Collection method: in vitro. Allele origin: not applicable. Functional consequence: loss of function. Not counted in ClinVar's aggregate classification.

Myelin Disorders Clinic-Children's Medical Center/Medical Genetics Lab-Tarbiat Modares University, Children's Medical Center, Pediatrics Center of Excellence,
Classification: Uncertain significance for Metachromatic leukodystrophy. Review status: no assertion criteria provided. Collection method: clinical testing. Allele origin: inherited. Inheritance: Autosomal recessive inheritance. Affected: yes. Not counted in ClinVar's aggregate classification.

Literature cited by the submitters: PubMed 8101038 (cited by 6 submitters); PubMed 26462614 (cited by 4 submitters); PubMed 28670130 (cited by 3 submitters); PubMed 28762252 (cited by Women's Health and Genetics/Laboratory Corporation of America, LabCorp); PubMed 33385934 (cited by Natera, Inc.); PubMed 33335837 (cited by Natera, Inc.); PubMed 33855715 (cited by Natera, Inc.); PubMed 30674982 (cited by 3billion); PubMed 24001781 (cited by Counsyl); PubMed 15326627 (cited by Counsyl); PubMed 15720392 (cited by Counsyl).